The following is an entry in ClinVar:

NM_024675.4(PALB2):c.2693G>A (p.Trp898Ter)

Gene: PALB2 (partner and localizer of BRCA2; minus strand). Cytogenetic location: 16p12.2.
Variant type: single nucleotide variant.
Coding change: c.2693G>A on transcript NM_024675.4 (MANE Select); coding-DNA position 2693, G replaced by A.
Protein change: p.Trp898Ter; replaces tryptophan 898 with a stop codon.
Molecular consequence: nonsense.
Genome position (GRCh38, 1-based): chr16:23,626,291, C>T on the plus strand (G>A on the coding strand, the complement: PALB2 is on the minus strand). VCF-style: chr16-23626291-C-T. GRCh37 (hg19) VCF-style: chr16-23637612-C-T.
Other names: short protein forms W898*.
Identifiers: ClinVar variation 231147 (VCV000231147.15), dbSNP rs876658983, ClinGen allele CA10579954.
Genomic context (GRCh38, chr16:23,626,291, plus strand): 5'-CTTACCTCTGCGAAGTGCCAGGTATAAAGTTTTTCCCACTGCCAAGCATCCAGAGCTTTC[C>T]AAAGAGAAACTACATCTTCGCAAGCAGTTATGATACATGGCTCTTTACAACCGGCTCTTT-3'

ClinVar aggregate classification (germline): Pathogenic/Likely pathogenic. Review status: criteria provided, multiple submitters, no conflicts (2 of 4 stars). 6 submissions from 6 submitters: Pathogenic (5); Likely pathogenic (1). Last evaluated 2025-04-14.

Conditions:
Familial cancer of breast. Also called: BREAST CANCER, FAMILIAL; hereditary breast carcinoma; Hereditary breast cancer. Identifiers: Orphanet 227535, MedGen C0346153, MONDO:0016419, OMIM 114480. Disease mechanism: loss of function.
Breast and/or ovarian cancer. Identifiers: MedGen CN221562.
Hereditary cancer-predisposing syndrome. Also called: Neoplastic Syndromes, Hereditary; Tumor predisposition; Hereditary Cancer Syndrome; Hereditary neoplastic syndrome. Identifiers: Orphanet 140162, MedGen C0027672, MeSH D009386, MONDO:0015356.

Allele frequency attached by ClinVar (database versions not stated): gnomAD exomes below 0.00001.
gnomAD v4.1: 1 of 1,614,154 alleles (0.000062%); highest among the groups gnomAD compares: Non-Finnish European, 0.000085%; no homozygotes.

Submissions (6):

GeneDx
Classification: Pathogenic. Last evaluated: 2025-04-14. Review status: criteria provided, single submitter. Criteria: GeneDx Variant Classification Process June 2021. Collection method: clinical testing. Allele origin: germline. Affected: yes.
Comment: Nonsense variant predicted to result in protein truncation or nonsense mediated decay in a gene for which loss of function is a known mechanism of disease; Not observed at significant frequency in large population cohorts (gnomAD); Truncating variants in this gene are considered pathogenic by a well-established clinical consortium and/or database; This variant is associated with the following publications: (PMID: 28825143, 33471991, 37511102, 32339256, 30720863)

Color Diagnostics, LLC DBA Color Health
Classification: Pathogenic for Hereditary cancer-predisposing syndrome. Last evaluated: 2023-10-31. Review status: criteria provided, single submitter. Criteria: ACMG Guidelines, 2015. Collection method: clinical testing. Allele origin: germline.
Comment: This variant changes 1 nucleotide in exon 7 of the PALB2 gene, creating a premature translation stop signal. This variant is expected to result in an absent or non-functional protein product. This variant has been reported in an individual affected with breast cancer (PMID: 28825143, 30720863) and in a breast cancer case-control meta-analysis in 1/60466 cases and 0/53461 unaffected individuals (PMID: 33471991; Leiden Open Variation Database DB-ID PALB2_010852). This variant has not been identified in the general population by the Genome Aggregation Database (gnomAD). Loss of PALB2 function is a known mechanism of disease. Based on the available evidence, this variant is classified as Pathogenic.

Myriad Genetics, Inc.
Classification: Pathogenic for Familial cancer of breast. Last evaluated: 2023-09-13. Review status: criteria provided, single submitter. Criteria: Myriad Autosomal Dominant, Autosomal Recessive and X-Linked Classification Criteria (2023). Collection method: clinical testing. Allele origin: unknown.
Comment: This variant is considered pathogenic. This variant creates a termination codon and is predicted to result in premature protein truncation.

Ambry Genetics
Classification: Pathogenic for Hereditary cancer-predisposing syndrome. Last evaluated: 2023-07-07. Review status: criteria provided, single submitter. Criteria: Ambry Variant Classification Scheme 2023. Collection method: clinical testing. Allele origin: germline.
Comment: The p.W898* pathogenic mutation (also known as c.2693G>A), located in coding exon 7 of the PALB2 gene, results from a G to A substitution at nucleotide position 2693. This changes the amino acid from a tryptophan to a stop codon within coding exon 7. In addition to the clinical data presented in the literature, this alteration is expected to result in loss of function by premature protein truncation or nonsense-mediated mRNA decay. As such, this alteration is interpreted as a disease-causing mutation.

Labcorp Genetics (formerly Invitae), Labcorp
Classification: Pathogenic for Familial cancer of breast. Last evaluated: 2022-12-24. Review status: criteria provided, single submitter. Criteria: Invitae Variant Classification Sherloc (09022015). Collection method: clinical testing. Allele origin: germline.
Comment: This sequence change creates a premature translational stop signal (p.Trp898*) in the PALB2 gene. It is expected to result in an absent or disrupted protein product. Loss-of-function variants in PALB2 are known to be pathogenic (PMID: 17200668, 17200671, 17200672, 24136930, 25099575). For these reasons, this variant has been classified as Pathogenic. Algorithms developed to predict the effect of sequence changes on RNA splicing suggest that this variant may disrupt the consensus splice site. ClinVar contains an entry for this variant (Variation ID: 231147). This premature translational stop signal has been observed in individual(s) with PALB2-related cancer risk (PMID: 28825143). This variant is not present in population databases (gnomAD no frequency).

CHEO Genetics Diagnostic Laboratory, Children's Hospital of Eastern Ontario
Classification: Likely pathogenic for Breast and/or ovarian cancer. Last evaluated: 2022-11-10. Review status: criteria provided, single submitter. Criteria: ACMG Guidelines, 2015. Collection method: clinical testing. Allele origin: germline.

Literature cited by the submitters: PubMed 28825143 (cited by 3 submitters); PubMed 30720863 (cited by Color Diagnostics, LLC DBA Color Health and Ambry Genetics); PubMed 33471991 (cited by Color Diagnostics, LLC DBA Color Health); PubMed 17200668 (cited by Labcorp Genetics (formerly Invitae), Labcorp); PubMed 17200671 (cited by Labcorp Genetics (formerly Invitae), Labcorp); PubMed 17200672 (cited by Labcorp Genetics (formerly Invitae), Labcorp); PubMed 24136930 (cited by Labcorp Genetics (formerly Invitae), Labcorp); PubMed 25099575 (cited by Labcorp Genetics (formerly Invitae), Labcorp).